The following is an entry in ClinVar:

NM_001351132.2(PEX5):c.967-3dup

Gene: PEX5 (peroxisomal biogenesis factor 5; plus strand). Cytogenetic location: 12p13.31.
Variant type: Duplication.
Coding change: c.967-3dup on transcript NM_001351132.2 (MANE Select); 3 bases into the intron before coding-DNA position 967, one base duplicated (T; older notation c.967-3dupT).
Molecular consequence: intron variant.
Genome position (GRCh38, 1-based): chr12:7,207,656, T duplicated. VCF-style (leftmost placement, unchanged base first): chr12-7207655-G-GT. GRCh37 (hg19) VCF-style: chr12-7360251-G-GT.
Other names: c.856-3dup (NM_001351124.3, NM_001351126.2, NM_001374646.1 and 7 more transcripts); c.967-3dup (NM_001131026.2, NM_001351131.2, NM_001374647.2 and 4 more transcripts); c.832-3dup (NM_001374649.2, NM_001351140.2, NM_001351139.2); c.901-3dup (NM_001351135.3, NM_001351138.2); c.1012-3dup (NM_001131023.2); c.967-12dup (NM_001351136.2); c.943-3dup (NM_000319.5).
Identifiers: ClinVar variation 594445 (VCV000594445.10), dbSNP rs777815209, ClinGen allele CA6426339.

ClinVar aggregate classification (germline): Uncertain significance. Review status: criteria provided, multiple submitters, no conflicts (2 of 4 stars). 3 submissions from 3 submitters: Uncertain significance (3). Last evaluated 2024-09-09.

Conditions:
Peroxisome biogenesis disorder 2B (PBD2B). Identifiers: Orphanet 44, MedGen C3550234, MONDO:0008736, OMIM 202370.

Allele frequency attached by ClinVar (database versions not stated): gnomAD exomes 0.00001; ExAC 0.00002; TOPMed 0.00002.

Submissions (3):

Blueprint Genetics
Classification: Uncertain significance. Last evaluated: 2024-09-09. Review status: criteria provided, single submitter. Criteria: ACMG Guidelines, 2015. Collection method: clinical testing. Allele origin: germline.

Labcorp Genetics (formerly Invitae), Labcorp
Classification: Uncertain significance for Peroxisome biogenesis disorder 2B. Last evaluated: 2024-04-17. Review status: criteria provided, single submitter. Criteria: Invitae Variant Classification Sherloc (09022015). Collection method: clinical testing. Allele origin: germline.
Comment: This sequence change falls in intron 10 of the PEX5 gene. It does not directly change the encoded amino acid sequence of the PEX5 protein. It affects a nucleotide within the consensus splice site. This variant is present in population databases (rs777815209, gnomAD 0.003%). This variant has not been reported in the literature in individuals affected with PEX5-related conditions. ClinVar contains an entry for this variant (Variation ID: 594445). Variants that disrupt the consensus splice site are a relatively common cause of aberrant splicing (PMID: 17576681, 9536098). Algorithms developed to predict the effect of sequence changes on RNA splicing suggest that this variant is not likely to affect RNA splicing. In summary, the available evidence is currently insufficient to determine the role of this variant in disease. Therefore, it has been classified as a Variant of Uncertain Significance.

Eurofins Ntd Llc (ga)
Classification: Uncertain significance. Last evaluated: 2017-10-09. Review status: criteria provided, single submitter. Criteria: EGL Classification Definitions 2015. Collection method: clinical testing. Allele origin: germline. Observed: 1 variant allele, 1 heterozygote.

Literature cited by the submitters: PubMed 17576681 (cited by Labcorp Genetics (formerly Invitae), Labcorp); PubMed 9536098 (cited by Labcorp Genetics (formerly Invitae), Labcorp).